The following is an entry in ClinVar:

NM_020964.3(EPG5):c.3748C>T (p.Gln1250Ter)

Gene: EPG5 (ectopic P-granules 5 autophagy tethering factor; minus strand). Cytogenetic location: 18q21.1.
Variant type: single nucleotide variant.
Coding change: c.3748C>T on transcript NM_020964.3 (MANE Select); coding-DNA position 3748, C replaced by T.
Protein change: p.Gln1250Ter; replaces glutamine 1250 with a stop codon.
Molecular consequence: nonsense.
Genome position (GRCh38, 1-based): chr18:45,913,774, G>A on the plus strand (C>T on the coding strand, the complement: EPG5 is on the minus strand). VCF-style: chr18-45913774-G-A. GRCh37 (hg19) VCF-style: chr18-43493739-G-A.
Other names: c.3748C>T, p.Gln1250Ter (NM_001410858.1, NM_001410859.1); short protein forms Q1250*.
Identifiers: ClinVar variation 3707208 (VCV003707208.2).

ClinVar aggregate classification (germline): Pathogenic (1 of 4 stars; one submission).

Conditions:
Vici syndrome (VICIS). Identifiers: Orphanet 1493, MedGen C1855772, MONDO:0009452, OMIM 242840.

gnomAD v4.1: 1 of 1,613,948 alleles (0.000062%); highest among the groups gnomAD compares: African/African-American, 0.0013%; no homozygotes.

Submission:

Labcorp Genetics (formerly Invitae), Labcorp
Classification: Pathogenic for Vici syndrome. Last evaluated: 2024-05-14. Review status: criteria provided, single submitter. Criteria: Invitae Variant Classification Sherloc (09022015). Collection method: clinical testing. Allele origin: germline.
Comment: This sequence change creates a premature translational stop signal (p.Gln1250*) in the EPG5 gene. It is expected to result in an absent or disrupted protein product. Loss-of-function variants in EPG5 are known to be pathogenic (PMID: 23222957, 23674064). This variant is not present in population databases (gnomAD no frequency). This variant has not been reported in the literature in individuals affected with EPG5-related conditions. For these reasons, this variant has been classified as Pathogenic.

Literature cited by the submitters: PubMed 23222957; PubMed 23674064.